The following is an entry in ClinVar:

NM_130849.3(SLC39A4):c.-118G>A

Gene: SLC39A4 (solute carrier family 39 member 4; minus strand). Cytogenetic location: 8q24.3.
Variant type: single nucleotide variant.
Coding change: c.-118G>A on transcript NM_130849.3; 118 bases upstream of the start codon, G replaced by A.
Genome position (GRCh38, 1-based): chr8:144,416,907, C>T on the plus strand (G>A on the coding strand, the complement: SLC39A4 is on the minus strand). VCF-style: chr8-144416907-C-T. GRCh37 (hg19) VCF-style: chr8-145642291-C-T.
Identifiers: ClinVar variation 909136 (VCV000909136.6), dbSNP rs138314827, ClinGen allele CA187652406.

ClinVar aggregate classification (germline): Likely benign (1 of 4 stars; one submission).

Conditions:
Hereditary acrodermatitis enteropathica (AEZ). Also called: Acrodermatitis enteropathica. Identifiers: Orphanet 37, MedGen C0221036, MONDO:0008713, OMIM 201100.

Allele frequency attached by ClinVar (database versions not stated): gnomAD 0.00232 and 0.00242; gnomAD exomes 0.00245; TOPMed 0.00150; 1000 Genomes Project 30x 0.00281; 1000 Genomes Project 0.00339.

Submission:

Illumina Laboratory Services, Illumina
Classification: Likely benign for Hereditary acrodermatitis enteropathica. Last evaluated: 2018-01-13. Review status: criteria provided, single submitter. Criteria: ICSL Variant Classification Criteria 13 December 2019. Collection method: clinical testing. Allele origin: germline.
Comment: This variant was observed in the ICSL laboratory as part of a predisposition screen in an ostensibly healthy population. It had not been previously curated by ICSL or reported in the Human Gene Mutation Database (HGMD: prior to June 1st, 2018), and was therefore a candidate for classification through an automated scoring system. Utilizing variant allele frequency, disease prevalence and penetrance estimates, and inheritance mode, an automated score was calculated to assess if this variant is too frequent to cause the disease. Based on the score and internal cut-off values, a variant classified as likely benign is not then subjected to further curation. The score for this variant resulted in a classification of likely benign for this disease.